The following is an entry in ClinVar:

NM_024301.5(FKRP):c.1207_1211del (p.Phe403fs)

Gene: FKRP (fukutin related protein; plus strand). Cytogenetic location: 19q13.32.
Variant type: Deletion.
Coding change: c.1207_1211del on transcript NM_024301.5 (MANE Select); coding-DNA positions 1207 to 1211, 5 bases deleted (TTCCG; older notation c.1207_1211delTTCCG).
Protein change: p.Phe403fs; shifts the reading frame from phenylalanine 403.
Molecular consequence: frameshift variant.
Genome position (GRCh38, 1-based): chr19:46,756,657-46,756,661, TTCCG deleted. VCF-style (leftmost placement, unchanged base first): chr19-46756656-TTTCCG-T. GRCh37 (hg19) VCF-style: chr19-47259913-TTTCCG-T.
Other names: c.1207_1211del, p.Phe403fs (NM_001039885.3); short protein forms F403fs.
Identifiers: ClinVar variation 4068088 (VCV004068088.2).

ClinVar aggregate classification (germline): Likely pathogenic (1 of 4 stars; one submission).

Conditions:
Autosomal recessive limb-girdle muscular dystrophy type 2I. Also called: MUSCULAR DYSTROPHY-DYSTROGLYCANOPATHY (LIMB-GIRDLE), TYPE C, 5; MUSCULAR DYSTROPHY, LIMB-GIRDLE, TYPE 2I; MUSCULAR DYSTROPHY-DYSTROGLYCANOPATHY, LIMB-GIRDLE, FRKP-RELATED. Identifiers: Orphanet 34515, MedGen C1846672, MONDO:0011787, OMIM 607155.

Submission:

Natera, Inc.
Classification: Likely pathogenic for Limb-girdle muscular dystrophy type 2I. Last evaluated: 2025-04-21. Review status: criteria provided, single submitter. Criteria: Natera Variant Classification Schema (03/2026). Collection method: clinical testing. Allele origin: germline.
Comment: The c.1207_1211del variant in FKRP is a frameshift variant predicted to shift the reading frame beginning at codon 403 and leads to a stop codon 59 codons downstream. This variant is expected to result in nonsense mediated decay, truncation, or a dysfunctional protein product. This variant is rare in the general population with a frequency below the threshold expected for the associated phenotype(s). Given the available evidence, this variant is classified as Likely Pathogenic.